The following is an entry in ClinVar:

NM_000419.5(ITGA2B):c.1210+609C>T

Gene: ITGA2B (integrin subunit alpha 2b; minus strand). Cytogenetic location: 17q21.31.
Variant type: single nucleotide variant.
Coding change: c.1210+609C>T on transcript NM_000419.5 (MANE Select); 609 bases into the intron after coding-DNA position 1210, C replaced by T.
Molecular consequence: intron variant.
Genome position (GRCh38, 1-based): chr17:44,382,884, G>A on the plus strand (C>T on the coding strand, the complement: ITGA2B is on the minus strand). VCF-style: chr17-44382884-G-A. GRCh37 (hg19) VCF-style: chr17-42460252-G-A.
Identifiers: ClinVar variation 1703865 (VCV001703865.1), dbSNP rs551732658, ClinGen allele CA290953470.
Genomic context (GRCh38, chr17:44,382,884, plus strand): 5'-GGGTTCCCTCCTCCCTCTCTGGACACTCCTCTGTCTCCTTCTCAGACTTACCTCCTGTAG[G>A]AGTCACCTAAATGCTTTTGCTCCCTAGGGCTCTATCCTGGGCCTCTTATTTCACAGGTCC-3'

ClinVar aggregate classification (germline): Uncertain significance (1 of 4 stars; one submission).

Conditions:
Glanzmann thrombasthenia 1 (GT1). Also called: BLEEDING DISORDER, PLATELET-TYPE, 2; GP IIb-IIIa COMPLEX DEFICIENCY; GLYCOPROTEIN COMPLEX IIb-IIIa DEFICIENCY; PLATELET FIBRINOGEN RECEPTOR DEFICIENCY. Identifiers: MedGen CN300358, MONDO:0031332, OMIM 273800.

Allele frequency attached by ClinVar (database versions not stated): gnomAD 0.00309; 1000 Genomes Project 30x 0.00094; 1000 Genomes Project 0.00080.
gnomAD v4.1: 468 of 152,052 alleles (0.31%); highest among the groups gnomAD compares: Middle Eastern, 0.68%; 4 homozygotes.

Submission:

ISTH-SSC Genomics in Thrombosis and Hemostasis, KU Leuven, Center for Molecular and Vascular Biology
Classification: Uncertain significance for Glanzmann thrombasthenia 1. Review status: criteria provided, single submitter. Criteria: ACMG Guidelines, 2015. Collection method: clinical testing. Allele origin: germline. Affected: yes. Observed: 1 compound heterozygote.
Comment: Submitted to GoldVariant by Kathleen Freson, Center for Molecular and Vascular Biology, Leuven, Belgium